The following is an entry in ClinVar:

NM_024079.5(ALG8):c.980C>G (p.Thr327Arg)

Gene: ALG8 (ALG8 alpha-1,3-glucosyltransferase; minus strand). Cytogenetic location: 11q14.1.
Variant type: single nucleotide variant.
Coding change: c.980C>G on transcript NM_024079.5 (MANE Select); coding-DNA position 980, C replaced by G.
Protein change: p.Thr327Arg; replaces threonine 327 with arginine.
Molecular consequence: missense variant.
Genome position (GRCh38, 1-based): chr11:78,109,500, G>C on the plus strand (C>G on the coding strand, the complement: ALG8 is on the minus strand). VCF-style: chr11-78109500-G-C. GRCh37 (hg19) VCF-style: chr11-77820546-G-C.
Other names: c.980C>G, p.Thr327Arg (NM_001007027.3); short protein forms T327R.
Identifiers: ClinVar variation 1032157 (VCV001032157.13), dbSNP rs141068538, ClinGen allele CA6203259.

ClinVar aggregate classification (germline): Uncertain significance. Review status: criteria provided, multiple submitters, no conflicts (2 of 4 stars). 6 submissions from 6 submitters: Uncertain significance (5). 1 of the submissions does not count toward it. Last evaluated 2025-09-15.

Conditions:
ALG8-related disorder.
ALG8 congenital disorder of glycosylation. Also called: ALG8-CDG; CONGENITAL DISORDER OF GLYCOSYLATION, TYPE Ih; CDG Ih. Identifiers: Orphanet 79325, MedGen C2931002, MONDO:0011969, OMIM 608104.
Polycystic liver disease 3 with or without kidney cysts. Identifiers: MedGen C4693472, MONDO:0054743, OMIM 617874.

Allele frequency attached by ClinVar (database versions not stated): gnomAD 0.00019 and 0.00020; TOPMed 0.00021; ExAC 0.00026; gnomAD exomes 0.00029; ESP Exome Variant Server 0.00039.
gnomAD v4.1: 399 of 1,614,070 alleles (0.025%); highest among the groups gnomAD compares: Non-Finnish European, 0.029%; no homozygotes.

Submissions (6):

Labcorp Genetics (formerly Invitae), Labcorp
Classification: Uncertain significance for ALG8 congenital disorder of glycosylation. Last evaluated: 2025-09-15. Review status: criteria provided, single submitter. Criteria: Invitae Variant Classification Sherloc (09022015). Collection method: clinical testing. Allele origin: germline.
Comment: This sequence change replaces threonine, which is neutral and polar, with arginine, which is basic and polar, at codon 327 of the ALG8 protein (p.Thr327Arg). This variant is present in population databases (rs141068538, gnomAD 0.05%). This variant has not been reported in the literature in individuals affected with ALG8-related conditions. ClinVar contains an entry for this variant (Variation ID: 1032157). An algorithm developed to predict the effect of missense changes on protein structure and function (PolyPhen-2) suggests that this variant is likely to be tolerated. In summary, the available evidence is currently insufficient to determine the role of this variant in disease. Therefore, it has been classified as a Variant of Uncertain Significance.

Blueprint Genetics
Classification: Uncertain significance. Last evaluated: 2024-08-23. Review status: criteria provided, single submitter. Criteria: ACMG Guidelines, 2015. Collection method: clinical testing. Allele origin: germline.

Fulgent Genetics
Classification: Uncertain significance for ALG8 congenital disorder of glycosylation; Polycystic liver disease 3 with or without kidney cysts. Last evaluated: 2024-05-09. Review status: criteria provided, single submitter. Criteria: ACMG Guidelines, 2015. Collection method: clinical testing. Allele origin: germline.

GeneDx
Classification: Uncertain significance. Last evaluated: 2019-12-04. Review status: criteria provided, single submitter. Criteria: GeneDx Variant Classification Process June 2021. Collection method: clinical testing. Allele origin: germline. Affected: yes.
Comment: In silico analysis, which includes protein predictors and evolutionary conservation, supports that this variant does not alter protein structure/function; Has not been previously published as pathogenic or benign to our knowledge

Baylor Genetics
Classification: Uncertain significance for ALG8 congenital disorder of glycosylation. Last evaluated: 2018-12-07. Review status: criteria provided, single submitter. Criteria: ACMG Guidelines, 2015. Collection method: clinical testing. Allele origin: unknown. Affected: yes.
Comment: This variant was determined to be of uncertain significance according to ACMG Guidelines, 2015 [PMID:25741868].

PreventionGenetics, part of Exact Sciences
Classification: Uncertain significance for ALG8-related condition. Last evaluated: 2024-04-21. Review status: no assertion criteria provided. Collection method: clinical testing. Allele origin: germline. Not counted in ClinVar's aggregate classification.
Comment: The ALG8 c.980C>G variant is predicted to result in the amino acid substitution p.Thr327Arg. To our knowledge, this variant has not been reported in the literature. This variant is reported in 0.050% of alleles in individuals of European (Non-Finnish) descent in gnomAD. At this time, the clinical significance of this variant is uncertain due to the absence of conclusive functional and genetic evidence.